The following is an entry in ClinVar:

NC_000001.11:g.201044429_201044459del

Gene: CACNA1S (calcium voltage-gated channel subunit alpha1 S; minus strand). Cytogenetic location: 1q32.1.
Variant type: Deletion.
Genome position: GRCh38: chr1:201,044,429-201,044,459. GRCh37 (hg19): chr1:201,013,557-201,013,587.
Identifiers: ClinVar variation 2008122 (VCV002008122.4), ClinGen allele CA2580061855.

ClinVar aggregate classification (germline): Pathogenic (1 of 4 stars; one submission).

Conditions:
Hypokalemic periodic paralysis, type 1. Also called: Hypokalemic Periodic Paralysis Type 1 (AD); HypoPP. Identifiers: Orphanet 681, MedGen C3714580, MONDO:0042979, OMIM 170400.
Malignant hyperthermia, susceptibility to, 5 (MHS5). Also called: CACNA1S-Related Malignant Hyperthermia Susceptibility. Identifiers: Orphanet 423, MedGen C1866077, MONDO:0011163, OMIM 601887.

Submission:

Labcorp Genetics (formerly Invitae), Labcorp
Classification: Pathogenic for Hypokalemic periodic paralysis, type 1; Malignant hyperthermia, susceptibility to, 5. Last evaluated: 2022-06-18. Review status: criteria provided, single submitter. Criteria: Invitae Variant Classification Sherloc (09022015). Collection method: clinical testing. Allele origin: germline.
Comment: This sequence change creates a premature translational stop signal (p.Ala1557Profs*67) in the CACNA1S gene. It is expected to result in an absent or disrupted protein product. Loss-of-function variants in CACNA1S are known to be pathogenic (PMID: 26247046, 28012042). For these reasons, this variant has been classified as Pathogenic. Algorithms developed to predict the effect of sequence changes on RNA splicing suggest that this variant may disrupt the consensus splice site. This variant has not been reported in the literature in individuals affected with CACNA1S-related conditions. This variant is not present in population databases (gnomAD no frequency).

Literature cited by the submitters: PubMed 26247046; PubMed 28012042.